The following is an entry in ClinVar:

ClinVar aggregate classification (germline): Pathogenic (1 of 4 stars; one submission).

Conditions:
Werner syndrome (WRN). Identifiers: Orphanet 902, MedGen C0043119, MONDO:0010196, OMIM 277700.

Submission:

Labcorp Genetics (formerly Invitae), Labcorp
Classification: Pathogenic for Werner syndrome. Last evaluated: 2021-03-27. Review status: criteria provided, single submitter. Criteria: Invitae Variant Classification Sherloc (09022015). Collection method: clinical testing. Allele origin: germline.
Comment: This variant has not been reported in the literature in individuals with WRN-related conditions. For these reasons, this variant has been classified as Pathogenic. This variant is not present in population databases (ExAC no frequency). This sequence change creates a premature translational stop signal (p.Gln835*) in the WRN gene. It is expected to result in an absent or disrupted protein product. Loss-of-function variants in WRN are known to be pathogenic (PMID: 16673358).

Literature cited by the submitters: PubMed 16673358.

NM_000553.6(WRN):c.2503C>T (p.Gln835Ter)

Gene: WRN (WRN RecQ like helicase; plus strand). Cytogenetic location: 8p12.
Variant type: single nucleotide variant.
Coding change: c.2503C>T on transcript NM_000553.6 (MANE Select); coding-DNA position 2503, C replaced by T.
Protein change: p.Gln835Ter; replaces glutamine 835 with a stop codon.
Molecular consequence: nonsense.
Genome position (GRCh38, 1-based): chr8:31,120,297, C>T. VCF-style: chr8-31120297-C-T. GRCh37 (hg19) VCF-style: chr8-30977813-C-T.
Other names: short protein forms Q835*.
Identifiers: ClinVar variation 1452754 (VCV001452754.6), dbSNP rs2130322156, ClinGen allele CA370915342.